The following is an entry in ClinVar:

ClinVar aggregate classification (germline): Benign/Likely benign. Review status: criteria provided, multiple submitters, no conflicts (2 of 4 stars). 3 submissions from 3 submitters: Benign (1); Likely benign (2). Last evaluated 2025-12-23.

Conditions:
Pheochromocytoma/paraganglioma syndrome 5. Also called: Paragangliomas 5; SDHA-Related Hereditary Paraganglioma-Pheochromocytoma Syndrome. Identifiers: Orphanet 29072, MedGen C3279992, MONDO:0013602, OMIM 614165.
Mitochondrial complex II deficiency, nuclear type 1. Also called: SUCCINATE CoQ REDUCTASE DEFICIENCY. Identifiers: Orphanet 3208, MedGen C5700310, MONDO:0100294, OMIM 252011.
Hereditary cancer-predisposing syndrome. Also called: Tumor predisposition; Hereditary neoplastic syndrome; Neoplastic Syndromes, Hereditary; Hereditary Cancer Syndrome. Identifiers: Orphanet 140162, MedGen C0027672, MeSH D009386, MONDO:0015356.

Allele frequency attached by ClinVar (database versions not stated): TOPMed below 0.00001.

Submissions (3):

Labcorp Genetics (formerly Invitae), Labcorp
Classification: Likely benign for Pheochromocytoma/paraganglioma syndrome 5; Mitochondrial complex II deficiency, nuclear type 1. Last evaluated: 2025-12-23. Review status: criteria provided, single submitter. Criteria: Invitae Variant Classification Sherloc (09022015). Collection method: clinical testing. Allele origin: germline.

Ambry Genetics
Classification: Likely benign for Hereditary cancer-predisposing syndrome. Last evaluated: 2025-08-30. Review status: criteria provided, single submitter. Criteria: Ambry Variant Classification Scheme 2023. Collection method: clinical testing. Allele origin: germline.

Myriad Genetics, Inc.
Classification: Benign for Pheochromocytoma/paraganglioma syndrome 5. Last evaluated: 2025-03-03. Review status: criteria provided, single submitter. Criteria: Myriad Autosomal Dominant, Autosomal Recessive and X-Linked Classification Criteria (2023). Collection method: clinical testing. Allele origin: unknown.
Comment: This variant is considered benign. This variant is a silent/synonymous amino acid change and it is not expected to impact splicing.

NM_004168.4(SDHA):c.783C>T (p.Arg261=)

Gene: SDHA (succinate dehydrogenase complex flavoprotein subunit A; plus strand). Cytogenetic location: 5p15.33.
Variant type: single nucleotide variant.
Coding change: c.783C>T on transcript NM_004168.4 (MANE Select); coding-DNA position 783, C replaced by T.
Protein change: p.Arg261=; no amino-acid change (arginine 261 retained).
Molecular consequence: synonymous variant.
Genome position (GRCh38, 1-based): chr5:230,888, C>T. VCF-style: chr5-230888-C-T. GRCh37 (hg19) VCF-style: chr5-231003-C-T.
Other names: c.783C>T (NM_004168.2); c.639C>T, p.Arg213= (NM_001294332.2); c.783C>T, p.Arg261= (NM_001330758.2).
Identifiers: ClinVar variation 753232 (VCV000753232.13), dbSNP rs1037927856, ClinGen allele CA112822458.